The following is an entry in ClinVar:

NM_000625.4(NOS2):c.3408G>A (p.Ala1136=)

Gene: NOS2 (nitric oxide synthase 2; minus strand). Cytogenetic location: 17q11.2.
Variant type: single nucleotide variant.
Coding change: c.3408G>A on transcript NM_000625.4 (MANE Select); coding-DNA position 3408, G replaced by A.
Protein change: p.Ala1136=; no amino-acid change (alanine 1136 retained).
Molecular consequence: synonymous variant.
Genome position (GRCh38, 1-based): chr17:27,757,300, C>T on the plus strand (G>A on the coding strand, the complement: NOS2 is on the minus strand). VCF-style: chr17-27757300-C-T. GRCh37 (hg19) VCF-style: chr17-26084326-C-T.
Identifiers: ClinVar variation 784739 (VCV000784739.5), dbSNP rs7223110, ClinGen allele CA8454083.
Genomic context (GRCh38, chr17:27,757,300, plus strand): 5'-AGGCCCTCAGAGCGCTGACATCTCCAGGCTGCTGGGCTGCACCGCCACCCTGTCCTTCTT[C>T]GCCTCGTAAGGAAATACAGCACCAAAGATATCTTCGTGATAGCGCTTCTGGCTCTTTTAG-3'
Protein context (NP_000616.3, residues 1126-1146): DIFGAVFPYE[Ala1136=]KKDRVAVQPS

ClinVar aggregate classification (germline): Benign. Review status: criteria provided, single submitter (1 of 4 stars). 2 submissions from 2 submitters: Benign (1). 1 of the submissions does not count toward it. Last evaluated 2018-07-06.

Conditions:
NOS2-related disorder. Also called: NOS2-related condition.

Allele frequency attached by ClinVar (database versions not stated): gnomAD exomes 0.00011 and 0.00026; ExAC 0.00037; 1000 Genomes Project 30x 0.00062; 1000 Genomes Project 0.00080; gnomAD 0.00099 and 0.00110; ESP Exome Variant Server 0.00115; TOPMed 0.00128.
gnomAD v4.1: 317 of 1,614,138 alleles (0.02%); highest among the groups gnomAD compares: African/African-American, 0.35%; no homozygotes.

Submissions (2):

Labcorp Genetics (formerly Invitae), Labcorp
Classification: Benign. Last evaluated: 2018-07-06. Review status: criteria provided, single submitter. Criteria: Invitae Variant Classification Sherloc (09022015). Collection method: clinical testing. Allele origin: germline.

PreventionGenetics, part of Exact Sciences
Classification: Likely benign for NOS2-related condition. Last evaluated: 2019-02-25. Review status: no assertion criteria provided. Collection method: clinical testing. Allele origin: germline. Not counted in ClinVar's aggregate classification.
Comment: This variant is classified as likely benign based on ACMG/AMP sequence variant interpretation guidelines (Richards et al. 2015 PMID: 25741868, with internal and published modifications).